The following is an entry in ClinVar:

NM_013352.4(DSE):c.17G>A (p.Arg6Gln)

Gene: DSE (dermatan sulfate epimerase; plus strand). Cytogenetic location: 6q22.1.
Variant type: single nucleotide variant.
Coding change: c.17G>A on transcript NM_013352.4 (MANE Select); coding-DNA position 17, G replaced by A.
Protein change: p.Arg6Gln; replaces arginine 6 with glutamine.
Molecular consequence: missense variant. On other transcripts: 5 prime UTR variant (4), non-coding transcript variant (1).
Genome position (GRCh38, 1-based): chr6:116,399,267, G>A. VCF-style: chr6-116399267-G-A. GRCh37 (hg19) VCF-style: chr6-116720430-G-A.
Other names: p.Arg6Gln; c.17G>A, p.Arg6Gln (NM_001080976.3, NM_001322937.2, NM_001322938.2 and 3 more transcripts); c.74G>A, p.Arg25Gln (NM_001322939.2); c.-541G>A (NM_001322940.2, NM_001322941.2); c.-884G>A (NM_001374520.1); c.-571G>A (NM_001374521.1); short protein forms R6Q, R25Q.
Identifiers: ClinVar variation 1417289 (VCV001417289.6), dbSNP rs758271302, ClinGen allele CA3969433.

ClinVar aggregate classification (germline): Uncertain significance. Review status: criteria provided, multiple submitters, no conflicts (2 of 4 stars). 3 submissions from 3 submitters: Uncertain significance (3). Last evaluated 2025-09-02.

Conditions:
Ehlers-Danlos syndrome, musculocontractural type 2 (EDSMC2). Identifiers: Orphanet 2953, MedGen C3809845, MONDO:0014236, OMIM 615539.

Allele frequency attached by ClinVar (database versions not stated): gnomAD 0.00001; TOPMed 0.00001.
gnomAD v4.1: 12 of 1,613,600 alleles (0.00074%); highest among the groups gnomAD compares: Non-Finnish European, 0.001%; no homozygotes.

Submissions (3):

Labcorp Genetics (formerly Invitae), Labcorp
Classification: Uncertain significance for Ehlers-Danlos syndrome, musculocontractural type 2. Last evaluated: 2025-09-02. Review status: criteria provided, single submitter. Criteria: Invitae Variant Classification Sherloc (09022015). Collection method: clinical testing. Allele origin: germline.
Comment: This sequence change replaces arginine, which is basic and polar, with glutamine, which is neutral and polar, at codon 6 of the DSE protein (p.Arg6Gln). This variant is present in population databases (rs758271302, gnomAD 0.004%). This variant has not been reported in the literature in individuals affected with DSE-related conditions. ClinVar contains an entry for this variant (Variation ID: 1417289). An algorithm developed to predict the effect of missense changes on protein structure and function (PolyPhen-2) suggests that this variant is likely to be disruptive. In summary, the available evidence is currently insufficient to determine the role of this variant in disease. Therefore, it has been classified as a Variant of Uncertain Significance.

Mayo Clinic Laboratories, Mayo Clinic
Classification: Uncertain significance. Last evaluated: 2024-01-19. Review status: criteria provided, single submitter. Criteria: ACMG Guidelines, 2015. Collection method: clinical testing. Allele origin: germline. Observed: 1 variant allele.
Comment: PM2

Blueprint Genetics
Classification: Uncertain significance. Last evaluated: 2021-10-04. Review status: criteria provided, single submitter. Criteria: ACMG Guidelines, 2015. Collection method: clinical testing. Allele origin: germline.